The following is an entry in ClinVar:

NM_001029896.2(WDR45):c.989G>A (p.Gly330Glu)

Gene: WDR45 (WD repeat domain 45; minus strand). Cytogenetic location: Xp11.23.
Variant type: single nucleotide variant.
Coding change: c.989G>A on transcript NM_001029896.2 (MANE Select); coding-DNA position 989, G replaced by A.
Protein change: p.Gly330Glu; replaces glycine 330 with glutamic acid.
Molecular consequence: missense variant.
Genome position (GRCh38, 1-based): chrX:49,074,897, C>T on the plus strand (G>A on the coding strand, the complement: WDR45 is on the minus strand). VCF-style: chrX-49074897-C-T. GRCh37 (hg19) VCF-style: chrX-48932556-C-T.
Other names: c.992G>A, p.Gly331Glu (NM_007075.4); short protein forms G330E, G331E.
Identifiers: ClinVar variation 4740818 (VCV004740818.1).

ClinVar aggregate classification (germline): Uncertain significance (1 of 4 stars; one submission).

Conditions:
Neurodegeneration with brain iron accumulation 5 (NBIA5). Also called: STATIC ENCEPHALOPATHY OF CHILDHOOD WITH NEURODEGENERATION IN ADULTHOOD; Beta-propeller protein-associated neurodegeneration. Identifiers: Orphanet 329284, MedGen C3550973, MONDO:0010476, OMIM 300894.

Submission:

Labcorp Genetics (formerly Invitae), Labcorp
Classification: Uncertain significance for Neurodegeneration with brain iron accumulation 5. Last evaluated: 2025-09-28. Review status: criteria provided, single submitter. Criteria: Invitae Variant Classification Sherloc (09022015). Collection method: clinical testing. Allele origin: germline.
Comment: This sequence change replaces glycine, which is neutral and non-polar, with glutamic acid, which is acidic and polar, at codon 331 of the WDR45 protein (p.Gly331Glu). This variant is not present in population databases (gnomAD no frequency). This variant has not been reported in the literature in individuals affected with WDR45-related conditions. Invitae Evidence Modeling of protein sequence and biophysical properties (such as structural, functional, and spatial information, amino acid conservation, physicochemical variation, residue mobility, and thermodynamic stability) indicates that this missense variant is expected to disrupt WDR45 protein function with a positive predictive value of 80%. In summary, the available evidence is currently insufficient to determine the role of this variant in disease. Therefore, it has been classified as a Variant of Uncertain Significance.